The following is an entry in ClinVar:

ClinVar aggregate classification (germline): Uncertain significance (1 of 4 stars; one submission).

Submission:

GeneDx
Classification: Uncertain significance. Last evaluated: 2024-03-27. Review status: criteria provided, single submitter. Criteria: GeneDx Variant Classification Process June 2021. Collection method: clinical testing. Allele origin: germline. Affected: yes.
Comment: Not observed at significant frequency in large population cohorts (gnomAD); In silico analysis supports that this variant does not alter splicing; Nucleotide is not conserved across species and the substitution has no predicted effect on splicing; Has not been previously published as pathogenic or benign to our knowledge

NM_001184880.2(PCDH19):c.2849-12T>C

Gene: PCDH19 (protocadherin 19; minus strand). Cytogenetic location: Xq22.1.
Variant type: single nucleotide variant.
Coding change: c.2849-12T>C on transcript NM_001184880.2 (MANE Select); 12 bases into the intron before coding-DNA position 2849, T replaced by C.
Molecular consequence: intron variant.
Genome position (GRCh38, 1-based): chrX:100,296,887, A>G on the plus strand (T>C on the coding strand, the complement: PCDH19 is on the minus strand). VCF-style: chrX-100296887-A-G. GRCh37 (hg19) VCF-style: chrX-99551885-A-G.
Other names: c.2705-12T>C (NM_020766.3); c.2708-12T>C (NM_001105243.2).
Identifiers: ClinVar variation 3371761 (VCV003371761.1).